The following is an entry in ClinVar:

ClinVar aggregate classification (germline): Conflicting classifications of pathogenicity. Review status: criteria provided, conflicting classifications (1 of 4 stars). 3 submissions from 3 submitters: Likely pathogenic (1); Uncertain significance (1). 1 of the submissions does not count toward it. Last evaluated 2022-08-15.

Conditions:
KCNV2-related disorder. Also called: KCNV2-related condition.
Cone dystrophy with supernormal rod response (CDSRR). Also called: CONE DYSTROPHY WITH SUPERNORMAL ROD RESPONSES. Identifiers: Orphanet 209932, MedGen C1835897, MONDO:0012475, OMIM 610356.

Allele frequency attached by ClinVar (database versions not stated): gnomAD exomes below 0.00001 and 0.00002; TOPMed below 0.00001; ExAC 0.00001.
gnomAD v4.1: 35 of 1,613,490 alleles (0.0022%); highest among the groups gnomAD compares: Non-Finnish European, 0.0029%; no homozygotes.

Submissions (3):

Labcorp Genetics (formerly Invitae), Labcorp
Classification: Uncertain significance. Last evaluated: 2022-08-15. Review status: criteria provided, single submitter. Criteria: Invitae Variant Classification Sherloc (09022015). Collection method: clinical testing. Allele origin: germline.
Comment: This missense change has been observed in individual(s) with cone dystrophy (PMID: 21882291). ClinVar contains an entry for this variant (Variation ID: 39812). Advanced modeling of protein sequence and biophysical properties (such as structural, functional, and spatial information, amino acid conservation, physicochemical variation, residue mobility, and thermodynamic stability) performed at Invitae indicates that this missense variant is expected to disrupt KCNV2 protein function. Experimental studies have shown that this missense change affects KCNV2 function (PMID: 21882291). In summary, the available evidence is currently insufficient to determine the role of this variant in disease. Therefore, it has been classified as a Variant of Uncertain Significance. This sequence change replaces phenylalanine, which is neutral and non-polar, with serine, which is neutral and polar, at codon 164 of the KCNV2 protein (p.Phe164Ser). This variant is present in population databases (rs397514604, gnomAD 0.0009%).

Blueprint Genetics
Classification: Likely pathogenic for KCNV2-related disorders. Last evaluated: 2021-01-08. Review status: criteria provided, single submitter. Criteria: ACMG Guidelines, 2015. Collection method: clinical testing. Allele origin: germline. Affected: yes. Observed: 3 variant alleles.

OMIM
Classification: drug response for CONE DYSTROPHY WITH SUPERNORMAL ROD RESPONSES. Last evaluated: 2011-12-01. Review status: no assertion criteria provided. Collection method: literature only. Allele origin: germline. Not counted in ClinVar's aggregate classification.

Literature cited by the submitters: PubMed 21882291 (cited by Labcorp Genetics (formerly Invitae), Labcorp and OMIM).

NM_133497.4(KCNV2):c.491T>C (p.Phe164Ser)

Gene: KCNV2 (potassium voltage-gated channel modifier subfamily V member 2; plus strand). Cytogenetic location: 9p24.2.
Variant type: single nucleotide variant.
Coding change: c.491T>C on transcript NM_133497.4 (MANE Select); coding-DNA position 491, T replaced by C.
Protein change: p.Phe164Ser; replaces phenylalanine 164 with serine.
Molecular consequence: missense variant.
Genome position (GRCh38, 1-based): chr9:2,718,230, T>C. VCF-style: chr9-2718230-T-C. GRCh37 (hg19) VCF-style: chr9-2718230-T-C.
Other names: short protein forms F164S.
Identifiers: ClinVar variation 39812 (VCV000039812.7), dbSNP rs397514604, ClinGen allele CA130578.